The following is an entry in ClinVar:

NM_025103.4(IFT74):c.1542C>T (p.Ala514=)

Gene: IFT74 (intraflagellar transport 74; plus strand). Cytogenetic location: 9p21.2.
Variant type: single nucleotide variant.
Coding change: c.1542C>T on transcript NM_025103.4 (MANE Select); coding-DNA position 1542, C replaced by T.
Protein change: p.Ala514=; no amino-acid change (alanine 514 retained).
Molecular consequence: synonymous variant.
Genome position (GRCh38, 1-based): chr9:27,056,378, C>T. VCF-style: chr9-27056378-C-T. GRCh37 (hg19) VCF-style: chr9-27056376-C-T.
Other names: c.1542C>T, p.Ala514= (NM_001099222.3, NM_001099223.3, NM_001349928.2); c.1542C>T (NM_025103.2).
Identifiers: ClinVar variation 1572720 (VCV001572720.10), dbSNP rs1129458, ClinGen allele CA5015699.
Genomic context (GRCh38, chr9:27,056,378, plus strand): 5'-ATTTGGATCTTTCTAGAAATTACATCAGGAGAGAATGATATTATCAACCCACAGAAATGC[C>T]TTTAAGAAAATAATGGAGAAGCAAAACATAGAGTATGAGGCACTAAAAACACAATTGCAA-3'
Protein context (NP_079379.2, residues 504-524): ERMILSTHRN[Ala514=]FKKIMEKQNI

ClinVar aggregate classification (germline): Benign. Review status: criteria provided, multiple submitters, no conflicts (2 of 4 stars). 3 submissions from 3 submitters: Benign (2). 1 of the submissions does not count toward it. Last evaluated 2026-02-02.

Conditions:
IFT74-related disorder. Also called: IFT74-Related Disorders; IFT74-related condition.

Allele frequency attached by ClinVar (database versions not stated): 1000 Genomes Project 30x 0.01062; 1000 Genomes Project 0.01018; TOPMed 0.02004; ESP Exome Variant Server 0.02176.
gnomAD v4.1: 35,576 of 1,595,320 alleles (2.2%); highest among the groups gnomAD compares: Non-Finnish European, 2.6%; 499 homozygotes.

Submissions (3):

Labcorp Genetics (formerly Invitae), Labcorp
Classification: Benign. Last evaluated: 2026-02-02. Review status: criteria provided, single submitter. Criteria: Invitae Variant Classification Sherloc (09022015). Collection method: clinical testing. Allele origin: germline.

Breakthrough Genomics
Classification: Benign. Review status: criteria provided, single submitter. Criteria: ACMG Guidelines, 2015. Collection method: not provided. Allele origin: germline. Inheritance: Autosomal recessive inheritance. Affected: yes.

PreventionGenetics, part of Exact Sciences
Classification: Benign for IFT74-related condition. Last evaluated: 2019-09-14. Review status: no assertion criteria provided. Collection method: clinical testing. Allele origin: germline. Not counted in ClinVar's aggregate classification.
Comment: This variant is classified as benign based on ACMG/AMP sequence variant interpretation guidelines (Richards et al. 2015 PMID: 25741868, with internal and published modifications).